The following is an entry in ClinVar:

NM_006038.4(SPATA2):c.225C>T (p.Arg75=)

Gene: SPATA2 (spermatogenesis associated 2; minus strand). Cytogenetic location: 20q13.13.
Variant type: single nucleotide variant.
Coding change: c.225C>T on transcript NM_006038.4 (MANE Select); coding-DNA position 225, C replaced by T.
Protein change: p.Arg75=; no amino-acid change (arginine 75 retained).
Molecular consequence: synonymous variant.
Genome position (GRCh38, 1-based): chr20:49,908,266, G>A on the plus strand (C>T on the coding strand, the complement: SPATA2 is on the minus strand). VCF-style: chr20-49908266-G-A. GRCh37 (hg19) VCF-style: chr20-48524803-G-A.
Other names: c.225C>T, p.Arg75= (NM_001135773.2).
Identifiers: ClinVar variation 2652392 (VCV002652392.24), dbSNP rs373260117, ClinGen allele CA9905117.

ClinVar aggregate classification (germline): Likely benign (1 of 4 stars; one submission).

Allele frequency attached by ClinVar (database versions not stated): ExAC 0.00007; gnomAD exomes 0.00008; gnomAD 0.00009; TOPMed 0.00009; ESP Exome Variant Server 0.00015.
gnomAD v4.1: 147 of 1,614,080 alleles (0.0091%); highest among the groups gnomAD compares: Middle Eastern, 0.099%; no homozygotes.

Submission:

CeGaT Center for Human Genetics Tuebingen
Classification: Likely benign. Last evaluated: 2022-07-01. Review status: criteria provided, single submitter. Criteria: CeGaT Center For Human Genetics Tuebingen Variant Classification Criteria Version 2. Collection method: clinical testing. Allele origin: germline. Affected: yes. Observed: 1 variant allele.
Comment: SPATA2: BP4, BP7